The following is an entry in ClinVar:

ClinVar aggregate classification (germline): Uncertain significance (1 of 4 stars; one submission).

Allele frequency attached by ClinVar (database versions not stated): gnomAD exomes 0.00001; ExAC 0.00002; gnomAD 0.00003; TOPMed 0.00004; 1000 Genomes Project 30x 0.00016; 1000 Genomes Project 0.00020.
gnomAD v4.1: 19 of 1,614,240 alleles (0.0012%); highest among the groups gnomAD compares: Middle Eastern, 0.016%; no homozygotes.

Submission:

Labcorp Genetics (formerly Invitae), Labcorp
Classification: Uncertain significance. Last evaluated: 2022-06-11. Review status: criteria provided, single submitter. Criteria: Invitae Variant Classification Sherloc (09022015). Collection method: clinical testing. Allele origin: germline.
Comment: This sequence change replaces asparagine, which is neutral and polar, with serine, which is neutral and polar, at codon 303 of the ABHD5 protein (p.Asn303Ser). This variant is present in population databases (rs574148007, gnomAD 0.009%). This variant has not been reported in the literature in individuals affected with ABHD5-related conditions. Algorithms developed to predict the effect of missense changes on protein structure and function output the following: SIFT: "Tolerated"; PolyPhen-2: "Benign"; Align-GVGD: "Class C0". The serine amino acid residue is found in multiple mammalian species, which suggests that this missense change does not adversely affect protein function. In summary, the available evidence is currently insufficient to determine the role of this variant in disease. Therefore, it has been classified as a Variant of Uncertain Significance.

NM_016006.6(ABHD5):c.908A>G (p.Asn303Ser)

Gene: ABHD5 (abhydrolase domain containing 5, lysophosphatidic acid acyltransferase; plus strand). Cytogenetic location: 3p21.33.
Variant type: single nucleotide variant.
Coding change: c.908A>G on transcript NM_016006.6 (MANE Select); coding-DNA position 908, A replaced by G.
Protein change: p.Asn303Ser; replaces asparagine 303 with serine.
Molecular consequence: missense variant. On other transcripts: non-coding transcript variant (1), intron variant (1).
Genome position (GRCh38, 1-based): chr3:43,717,805, A>G. VCF-style: chr3-43717805-A-G. GRCh37 (hg19) VCF-style: chr3-43759297-A-G.
Other names: c.908A>G, p.Asn303Ser (NM_001355186.2); c.785A>G, p.Asn262Ser (NM_001365649.1); c.774-638A>G (NM_001365650.1); short protein forms N262S, N303S.
Identifiers: ClinVar variation 2079453 (VCV002079453.1), dbSNP rs574148007, ClinGen allele CA2341494.